The following is an entry in ClinVar:

ClinVar aggregate classification (germline): Likely pathogenic (1 of 4 stars; one submission).

Allele frequency attached by ClinVar (database versions not stated): gnomAD 0.00001; TOPMed 0.00001; ESP Exome Variant Server 0.00008.
gnomAD v4.1: 5 of 1,612,766 alleles (0.00031%); highest among the groups gnomAD compares: Non-Finnish European, 0.00042%; no homozygotes.

Submission:

Labcorp Genetics (formerly Invitae), Labcorp
Classification: Likely pathogenic. Last evaluated: 2025-02-06. Review status: criteria provided, single submitter. Criteria: Invitae Variant Classification Sherloc (09022015). Collection method: clinical testing. Allele origin: germline.
Comment: This sequence change affects a donor splice site in intron 23 of the MYO18B gene. It is expected to disrupt RNA splicing. Variants that disrupt the donor or acceptor splice site typically lead to a loss of protein function (PMID: 16199547), and loss-of-function variants in MYO18B are known to be pathogenic (PMID: 25748484, 32184166, 32637634). This variant is present in population databases (rs375953112, gnomAD 0.002%). This variant has not been reported in the literature in individuals affected with MYO18B-related conditions. ClinVar contains an entry for this variant (Variation ID: 1437485). Algorithms developed to predict the effect of sequence changes on RNA splicing suggest that this variant may disrupt the consensus splice site. In summary, the currently available evidence indicates that the variant is pathogenic, but additional data are needed to prove that conclusively. Therefore, this variant has been classified as Likely Pathogenic.

Literature cited by the submitters: PubMed 16199547; PubMed 25748484; PubMed 32184166; PubMed 32637634.

NM_032608.7(MYO18B):c.4080+1G>T

Gene: MYO18B (myosin XVIIIB; plus strand). Cytogenetic location: 22q12.1.
Variant type: single nucleotide variant.
Coding change: c.4080+1G>T on transcript NM_032608.7 (MANE Select); the canonical splice donor site of the intron after coding-DNA position 4080, G replaced by T.
Molecular consequence: splice donor variant.
Genome position (GRCh38, 1-based): chr22:25,874,415, G>T. VCF-style: chr22-25874415-G-T. GRCh37 (hg19) VCF-style: chr22-26270382-G-T.
Other names: c.4083+1G>T (NM_001318245.2).
Identifiers: ClinVar variation 1437485 (VCV001437485.8), dbSNP rs375953112, ClinGen allele CA10160740.